The following is an entry in ClinVar:

NM_005751.5(AKAP9):c.5335G>C (p.Val1779Leu)

Gene: AKAP9 (A-kinase anchoring protein 9; plus strand). Cytogenetic location: 7q21.2.
Variant type: single nucleotide variant.
Coding change: c.5335G>C on transcript NM_005751.5 (MANE Select); coding-DNA position 5335, G replaced by C.
Protein change: p.Val1779Leu; replaces valine 1779 with leucine.
Molecular consequence: missense variant.
Genome position (GRCh38, 1-based): chr7:92,045,180, G>C. VCF-style: chr7-92045180-G-C. GRCh37 (hg19) VCF-style: chr7-91674494-G-C.
Other names: c.5335G>C, p.Val1779Leu (NM_147185.3); short protein forms V1779L.
Identifiers: ClinVar variation 4755321 (VCV004755321.1).

ClinVar aggregate classification (germline): Uncertain significance (1 of 4 stars; one submission).

Conditions:
Long QT syndrome (LQTS). Identifiers: MedGen C0023976, MeSH D008133, MONDO:0002442. Disease mechanism: loss of function. Inheritance: Various modes of inheritance.

gnomAD v4.1: 1 of 1,613,818 alleles (0.000062%); highest among the groups gnomAD compares: Non-Finnish European, 0.000085%; no homozygotes.

Submission:

Labcorp Genetics (formerly Invitae), Labcorp
Classification: Uncertain significance for Long QT syndrome. Last evaluated: 2025-08-20. Review status: criteria provided, single submitter. Criteria: Invitae Variant Classification Sherloc (09022015). Collection method: clinical testing. Allele origin: germline.
Comment: This sequence change replaces valine, which is neutral and non-polar, with leucine, which is neutral and non-polar, at codon 1779 of the AKAP9 protein (p.Val1779Leu). This variant is not present in population databases (gnomAD no frequency). This variant has not been reported in the literature in individuals affected with AKAP9-related conditions. An algorithm developed to predict the effect of missense changes on protein structure and function outputs the following: PolyPhen-2: "Benign". The leucine amino acid residue is found in multiple mammalian species, which suggests that this missense change does not adversely affect protein function. In summary, the available evidence is currently insufficient to determine the role of this variant in disease. Therefore, it has been classified as a Variant of Uncertain Significance.